The following is an entry in ClinVar:

NM_001854.4(COL11A1):c.840G>A (p.Glu280=)

Gene: COL11A1 (collagen type XI alpha 1 chain; minus strand). Cytogenetic location: 1p21.1.
Variant type: single nucleotide variant.
Coding change: c.840G>A on transcript NM_001854.4 (MANE Select); coding-DNA position 840, G replaced by A.
Protein change: p.Glu280=; no amino-acid change (glutamic acid 280 retained).
Molecular consequence: synonymous variant. On other transcripts: non-coding transcript variant (1), intron variant (2).
Genome position (GRCh38, 1-based): chr1:103,026,273, C>T on the plus strand (G>A on the coding strand, the complement: COL11A1 is on the minus strand). VCF-style: chr1-103026273-C-T. GRCh37 (hg19) VCF-style: chr1-103491829-C-T.
Other names: c.840G>A (NM_001854.3); c.840G>A, p.Glu280= (NM_080630.4); c.781-660G>A (NM_001190709.2); c.781-321G>A (NM_080629.3).
Identifiers: ClinVar variation 1570827 (VCV001570827.10), dbSNP rs777095769, ClinGen allele CA419198249.
Genomic context (GRCh38, chr1:103,026,273, plus strand): 5'-TACCTCCGTCTGTGCTATTGTCTCCTCAGTTACAGTGGGTCCCTCTGTTACACTTTCAGC[C>T]TCTTTATACTCTGCTTCCCCATACTCATAGTCATATTCGATTATATCCTCTGGTGCATAC-3'
Protein context (NP_001845.3, residues 270-290): DYEYGEAEYK[Glu280=]AESVTEGPTV

ClinVar aggregate classification (germline): Likely benign. Review status: criteria provided, multiple submitters, no conflicts (2 of 4 stars). 3 submissions from 3 submitters: Likely benign (2). 1 of the submissions does not count toward it. Last evaluated 2024-08-23.

Conditions:
COL11A1-related disorder. Also called: COL11A1-related disorders; COL11A1-related condition.

Allele frequency attached by ClinVar (database versions not stated): gnomAD 0.00001.
gnomAD v4.1: 14 of 1,613,626 alleles (0.00087%); highest among the groups gnomAD compares: Non-Finnish European, 0.0012%; no homozygotes.

Submissions (3):

Blueprint Genetics
Classification: Likely benign. Last evaluated: 2024-08-23. Review status: criteria provided, single submitter. Criteria: ACMG Guidelines, 2015. Collection method: clinical testing. Allele origin: germline.

Labcorp Genetics (formerly Invitae), Labcorp
Classification: Likely benign. Last evaluated: 2024-02-24. Review status: criteria provided, single submitter. Criteria: Invitae Variant Classification Sherloc (09022015). Collection method: clinical testing. Allele origin: germline.

PreventionGenetics, part of Exact Sciences
Classification: Likely benign for COL11A1-related condition. Last evaluated: 2020-02-27. Review status: no assertion criteria provided. Collection method: clinical testing. Allele origin: germline. Not counted in ClinVar's aggregate classification.
Comment: This variant is classified as likely benign based on ACMG/AMP sequence variant interpretation guidelines (Richards et al. 2015 PMID: 25741868, with internal and published modifications).